The following is an entry in ClinVar:

NM_018026.4(PACS1):c.1413G>A (p.Thr471=)

Gene: PACS1 (phosphofurin acidic cluster sorting protein 1; plus strand). Cytogenetic location: 11q13.2.
Variant type: single nucleotide variant.
Coding change: c.1413G>A on transcript NM_018026.4 (MANE Select); coding-DNA position 1413, G replaced by A.
Protein change: p.Thr471=; no amino-acid change (threonine 471 retained).
Molecular consequence: synonymous variant.
Genome position (GRCh38, 1-based): chr11:66,230,586, G>A. VCF-style: chr11-66230586-G-A. GRCh37 (hg19) VCF-style: chr11-65998057-G-A.
Identifiers: ClinVar variation 734160 (VCV000734160.9), dbSNP rs764849679, ClinGen allele CA6116565.

ClinVar aggregate classification (germline): Likely benign. Review status: criteria provided, multiple submitters, no conflicts (2 of 4 stars). 2 submissions from 2 submitters: Likely benign (2). Last evaluated 2025-04-11.

Conditions:
Schuurs-Hoeijmakers syndrome. Also called: PACS1-Related Neurodevelopmental Disorder. Identifiers: Orphanet 329224, MedGen C3554343, MONDO:0014006, OMIM 615009.

Allele frequency attached by ClinVar (database versions not stated): TOPMed 0.00008; gnomAD exomes 0.00003 and 0.00002; ExAC 0.00002; gnomAD 0.00010.
gnomAD v4.1: 49 of 1,613,970 alleles (0.003%); highest among the groups gnomAD compares: African/African-American, 0.016%; no homozygotes.

Submissions (2):

Labcorp Genetics (formerly Invitae), Labcorp
Classification: Likely benign for Schuurs-Hoeijmakers syndrome. Last evaluated: 2025-04-11. Review status: criteria provided, single submitter. Criteria: Invitae Variant Classification Sherloc (09022015). Collection method: clinical testing. Allele origin: germline.

GeneDx
Classification: Likely benign. Last evaluated: 2018-11-06. Review status: criteria provided, single submitter. Criteria: GeneDx Variant Classification Process June 2021. Collection method: clinical testing. Allele origin: germline. Affected: yes.
Comment: See Variant Classification Assertion Criteria.